The following is an entry in ClinVar:

Conditions:
Breast-ovarian cancer, familial, susceptibility to, 1 (BROVCA1). Also called: BRCA1 Hereditary Breast and Ovarian Cancer; OVARIAN CANCER, SUSCEPTIBILITY TO. Identifiers: Orphanet 145, MedGen C2676676, MONDO:0011450, OMIM 604370. Disease mechanism: loss of function.

Submission:

Brotman Baty Institute, University of Washington
No classification provided (evidence only). Condition: Breast-ovarian cancer, familial 1. Review status: no classification provided. Collection method: in vitro. Allele origin: not applicable. Functional consequence: function_uncertain_variant.
ClinVar note: "not provided" was previously submitted as the classification for the variant. However, the classification appeared to be based only on an observation of functional data so it was converted to no classification on 2025-07-30.

NM_007294.4(BRCA1):c.5332+10T>G

Gene: BRCA1 (BRCA1 DNA repair associated; minus strand). Cytogenetic location: 17q21.31.
Variant type: single nucleotide variant.
Coding change: c.5332+10T>G on transcript NM_007294.4 (MANE Select); 10 bases into the intron after coding-DNA position 5332, T replaced by G.
Molecular consequence: intron variant.
Genome position (GRCh38, 1-based): chr17:43,051,053, A>C on the plus strand (T>G on the coding strand, the complement: BRCA1 is on the minus strand). VCF-style: chr17-43051053-A-C. GRCh37 (hg19) VCF-style: chr17-41203070-A-C.
Other names: c.4993+10T>G (NM_001407957.1, NM_001407958.1, NM_001407956.1); c.4996+10T>G (NM_001407953.1, NM_001407955.1, NM_001407951.1 and 3 more transcripts); c.4999+10T>G (NM_001407949.1, NM_001407946.1, NM_001407948.1 and 1 more transcripts); c.1696+10T>G (NM_001408506.1); c.1810+10T>G (NM_001408481.1, NM_001408490.1, NM_001408489.1 and 5 more transcripts); c.1813+10T>G (NM_001408480.1, NM_001408479.1, NM_001408478.1); c.5119+10T>G (NM_001407909.1, NM_001407906.1, NM_001407899.1 and 12 more transcripts); c.5122+10T>G (NM_001407887.1, NM_001407889.1, NM_001407884.1 and 5 more transcripts); and 74 more.
Identifiers: ClinVar variation 868005 (VCV000868005.3), dbSNP rs2051192582, ClinGen allele CA916081009.